The following is an entry in ClinVar:

NM_001291415.2(KDM6A):c.624_629del (p.Gln208_Phe209del)

Gene: KDM6A (lysine demethylase 6A; plus strand). Cytogenetic location: Xp11.3.
Variant type: Deletion.
Coding change: c.624_629del on transcript NM_001291415.2 (MANE Select); coding-DNA positions 624 to 629, 6 bases deleted (ATTTCA; older notation c.624_629delATTTCA).
Protein change: p.Gln208_Phe209del.
Molecular consequence: inframe deletion. On other transcripts: 5 prime UTR variant (1), non-coding transcript variant (1).
Genome position (GRCh38, 1-based): chrX:45,037,659-45,037,664, ATTTCA deleted; deleting any 6 consecutive bases within chrX:45,037,655-45,037,664 gives the same sequence; the c. name uses the placement nearest the transcript's 3' end. VCF-style (leftmost placement, unchanged base first): chrX-45037654-GTTCAAT-G. GRCh37 (hg19) VCF-style: chrX-44896899-GTTCAAT-G.
Other names: c.624_629del, p.Gln208_Phe209del (NM_001291416.2, NM_001291417.2, NM_001291418.2 and 9 more transcripts); c.-130_-125del (NM_001291421.2).
Identifiers: ClinVar variation 3347831 (VCV003347831.1).

ClinVar aggregate classification (germline): Uncertain significance (0 of 4 stars; one submission).

Conditions:
KDM6A-related disorder. Also called: KDM6A-related condition.

Submission:

PreventionGenetics, part of Exact Sciences
Classification: Uncertain significance for KDM6A-related condition. Last evaluated: 2024-09-05. Review status: no assertion criteria provided. Collection method: clinical testing. Allele origin: germline.
Comment: The KDM6A c.624_629del6 variant is predicted to result in an in-frame deletion (p.Gln208_Phe209del). To our knowledge, this variant has not been reported in the literature or in a large population database, indicating this variant is rare. At this time, the clinical significance of this variant is uncertain due to the absence of conclusive functional and genetic evidence.